The following is an entry in ClinVar:

ClinVar aggregate classification (germline): Uncertain significance (1 of 4 stars; one submission).

Submission:

Labcorp Genetics (formerly Invitae), Labcorp
Classification: Uncertain significance. Last evaluated: 2024-10-21. Review status: criteria provided, single submitter. Criteria: Invitae Variant Classification Sherloc (09022015). Collection method: clinical testing. Allele origin: germline.
Comment: This sequence change replaces arginine, which is basic and polar, with leucine, which is neutral and non-polar, at codon 131 of the NRL protein (p.Arg131Leu). This variant is not present in population databases (gnomAD no frequency). This variant has not been reported in the literature in individuals affected with NRL-related conditions. An algorithm developed to predict the effect of missense changes on protein structure and function (PolyPhen-2) suggests that this variant is likely to be disruptive. In summary, the available evidence is currently insufficient to determine the role of this variant in disease. Therefore, it has been classified as a Variant of Uncertain Significance.

NM_001354768.3(NRL):c.392G>T (p.Arg131Leu)

Gene: NRL (neural retina leucine zipper; minus strand). Cytogenetic location: 14q11.2.
Variant type: single nucleotide variant.
Coding change: c.392G>T on transcript NM_001354768.3 (MANE Select); coding-DNA position 392, G replaced by T.
Protein change: p.Arg131Leu; replaces arginine 131 with leucine.
Molecular consequence: missense variant.
Genome position (GRCh38, 1-based): chr14:24,081,558, C>A on the plus strand (G>T on the coding strand, the complement: NRL is on the minus strand). VCF-style: chr14-24081558-C-A. GRCh37 (hg19) VCF-style: chr14-24550767-C-A.
Other names: c.392G>T, p.Arg131Leu (NM_001354769.1, NM_006177.5); c.77G>T, p.Arg26Leu (NM_001354770.2); short protein forms R131L, R26L.
Identifiers: ClinVar variation 3620174 (VCV003620174.2).
Genomic context (GRCh38, chr14:24,081,558, plus strand): 5'-CCCCGCAGCTGCCGGTTTAGCTCCCGCACAGACATCGAGACCAGCGCCGCGTCGGAAAAC[C>A]GCTCTGCCAGCTGCGGAGGGAGAATGCAGAAACCGGGTCAGCGCCAGGTCGCACCCGGCT-3'
Protein context (NP_001341697.1, residues 121-141): TGAQHVQLAE[Arg131Leu]FSDAALVSMS